The following is an entry in ClinVar:

ClinVar aggregate classification (germline): Uncertain significance. Review status: criteria provided, multiple submitters, no conflicts (2 of 4 stars). 2 submissions from 2 submitters: Uncertain significance (2). Last evaluated 2022-09-07.

Conditions:
Cardiovascular phenotype. Identifiers: MedGen CN230736.

Allele frequency attached by ClinVar (database versions not stated): gnomAD exomes 0.00001 and 0.00003; TOPMed 0.00004; gnomAD 0.00005 and 0.00006.
gnomAD v4.1: 24 of 1,550,258 alleles (0.0015%); highest among the groups gnomAD compares: African/African-American, 0.021%; no homozygotes.

Submissions (2):

Labcorp Genetics (formerly Invitae), Labcorp
Classification: Uncertain significance. Last evaluated: 2022-09-07. Review status: criteria provided, single submitter. Criteria: Invitae Variant Classification Sherloc (09022015). Collection method: clinical testing. Allele origin: germline.
Comment: This sequence change replaces alanine, which is neutral and non-polar, with threonine, which is neutral and polar, at codon 1310 of the ZNF469 protein (p.Ala1310Thr). The frequency data for this variant in the population databases is considered unreliable, as metrics indicate poor data quality at this position in the gnomAD database. This variant has not been reported in the literature in individuals affected with ZNF469-related conditions. ClinVar contains an entry for this variant (Variation ID: 1437837). Algorithms developed to predict the effect of missense changes on protein structure and function output the following: SIFT: "Tolerated"; PolyPhen-2: "Possibly Damaging"; Align-GVGD: "Class C0". The threonine amino acid residue is found in multiple mammalian species, which suggests that this missense change does not adversely affect protein function. In summary, the available evidence is currently insufficient to determine the role of this variant in disease. Therefore, it has been classified as a Variant of Uncertain Significance.

Ambry Genetics
Classification: Uncertain significance for Cardiovascular phenotype. Last evaluated: 2021-07-07. Review status: criteria provided, single submitter. Criteria: Ambry Variant Classification Scheme 2023. Collection method: clinical testing. Allele origin: germline.
Comment: The p.A1310T variant (also known as c.3928G>A), located in coding exon 2 of the ZNF469 gene, results from a G to A substitution at nucleotide position 3928. The alanine at codon 1310 is replaced by threonine, an amino acid with similar properties. This amino acid position is conserved. In addition, this alteration is predicted to be tolerated by in silico analysis. Since supporting evidence is limited at this time, the clinical significance of this alteration remains unclear.

NM_001367624.2(ZNF469):c.4012G>A (p.Ala1338Thr)

Gene: ZNF469 (zinc finger protein 469; plus strand). Cytogenetic location: 16q24.2.
Variant type: single nucleotide variant.
Coding change: c.4012G>A on transcript NM_001367624.2 (MANE Select); coding-DNA position 4012, G replaced by A.
Protein change: p.Ala1338Thr; replaces alanine 1338 with threonine.
Molecular consequence: missense variant.
Genome position (GRCh38, 1-based): chr16:88,431,482, G>A. VCF-style: chr16-88431482-G-A. GRCh37 (hg19) VCF-style: chr16-88497890-G-A.
Other names: NM_001127464.1:c.3928G>A; short protein forms A1338T.
Identifiers: ClinVar variation 1437837 (VCV001437837.5), dbSNP rs891391047, ClinGen allele CA286375536.